The following is an entry in ClinVar:

NM_000264.5(PTCH1):c.3686C>A (p.Thr1229Lys)

Gene: PTCH1 (patched 1; minus strand). Cytogenetic location: 9q22.32.
Variant type: single nucleotide variant.
Coding change: c.3686C>A on transcript NM_000264.5 (MANE Select); coding-DNA position 3686, C replaced by A.
Protein change: p.Thr1229Lys; replaces threonine 1229 with lysine.
Molecular consequence: missense variant. On other transcripts: non-coding transcript variant (1).
Genome position (GRCh38, 1-based): chr9:95,449,187, G>T on the plus strand (C>A on the coding strand, the complement: PTCH1 is on the minus strand). VCF-style: chr9-95449187-G-T. GRCh37 (hg19) VCF-style: chr9-98211469-G-T.
Other names: c.3530C>A, p.Thr1177Lys (NM_001354918.2); c.3233C>A, p.Thr1078Lys (NM_001083606.3, NM_001083607.3, NM_001083604.3 and 1 more transcripts); c.3488C>A, p.Thr1163Lys (NM_001083602.3); c.3683C>A, p.Thr1228Lys (NM_001083603.3); short protein forms T1078K, T1229K, T1163K, T1177K, T1228K.
Identifiers: ClinVar variation 3635836 (VCV003635836.2).

ClinVar aggregate classification (germline): Uncertain significance (1 of 4 stars; one submission).

Conditions:
Gorlin syndrome. Also called: Nevoid Basal Cell Carcinoma Syndrome; Basal cell nevus syndrome. Identifiers: Orphanet 377, MedGen C0004779, MONDO:0007187.

Submission:

Labcorp Genetics (formerly Invitae), Labcorp
Classification: Uncertain significance for Gorlin syndrome. Last evaluated: 2024-03-01. Review status: criteria provided, single submitter. Criteria: Invitae Variant Classification Sherloc (09022015). Collection method: clinical testing. Allele origin: germline.
Comment: This sequence change replaces threonine, which is neutral and polar, with lysine, which is basic and polar, at codon 1229 of the PTCH1 protein (p.Thr1229Lys). This variant is not present in population databases (gnomAD no frequency). This variant has not been reported in the literature in individuals affected with PTCH1-related conditions. Advanced modeling of protein sequence and biophysical properties (such as structural, functional, and spatial information, amino acid conservation, physicochemical variation, residue mobility, and thermodynamic stability) performed at Invitae indicates that this missense variant is not expected to disrupt PTCH1 protein function with a negative predictive value of 95%. In summary, the available evidence is currently insufficient to determine the role of this variant in disease. Therefore, it has been classified as a Variant of Uncertain Significance.